The following is an entry in ClinVar:

ClinVar aggregate classification (germline): Likely benign. Review status: criteria provided, multiple submitters, no conflicts (2 of 4 stars). 3 submissions from 3 submitters: Likely benign (3). Last evaluated 2025-03-01.

Conditions:
Thyroid hormone resistance, generalized, autosomal dominant (GRTHD). Also called: HYPERTHYROXINEMIA, FAMILIAL EUTHYROID, SECONDARY TO PITUITARY AND PERIPHERAL RESISTANCE TO THYROID HORMONES. Identifiers: MedGen C2937288, MONDO:0008569, OMIM 188570.

Allele frequency attached by ClinVar (database versions not stated): 1000 Genomes Project 0.00020; ExAC 0.00022; gnomAD exomes 0.00027 and 0.00031; gnomAD 0.00033 and 0.00037; TOPMed 0.00033; 1000 Genomes Project 30x 0.00047; ESP Exome Variant Server 0.00054.
gnomAD v4.1: 514 of 1,614,182 alleles (0.032%); highest among the groups gnomAD compares: African/African-American, 0.1%; no homozygotes.

Submissions (3):

CeGaT Center for Human Genetics Tuebingen
Classification: Likely benign. Last evaluated: 2025-03-01. Review status: criteria provided, single submitter. Criteria: CeGaT Center For Human Genetics Tuebingen Variant Classification Criteria Version 2. Collection method: clinical testing. Allele origin: germline. Affected: yes. Observed: 1 variant allele.
Comment: THRB: BP4, BP7

Labcorp Genetics (formerly Invitae), Labcorp
Classification: Likely benign. Last evaluated: 2018-06-12. Review status: criteria provided, single submitter. Criteria: Invitae Variant Classification Sherloc (09022015). Collection method: clinical testing. Allele origin: germline.

Illumina Laboratory Services, Illumina
Classification: Likely benign for Thyroid hormone resistance, generalized, autosomal dominant. Last evaluated: 2018-01-13. Review status: criteria provided, single submitter. Criteria: ICSL Variant Classification Criteria 13 December 2019. Collection method: clinical testing. Allele origin: germline.
Comment: This variant was observed in the ICSL laboratory as part of a predisposition screen in an ostensibly healthy population. It had not been previously curated by ICSL or reported in the Human Gene Mutation Database (HGMD: prior to June 1st, 2018), and was therefore a candidate for classification through an automated scoring system. Utilizing variant allele frequency, disease prevalence and penetrance estimates, and inheritance mode, an automated score was calculated to assess if this variant is too frequent to cause the disease. Based on the score and internal cut-off values, a variant classified as likely benign is not then subjected to further curation. The score for this variant resulted in a classification of likely benign for this disease.

NM_001354712.2(THRB):c.1125C>T (p.Ala375=)

Gene: THRB (thyroid hormone receptor beta; minus strand). Cytogenetic location: 3p24.2.
Variant type: single nucleotide variant.
Coding change: c.1125C>T on transcript NM_001354712.2 (MANE Select); coding-DNA position 1125, C replaced by T.
Protein change: p.Ala375=; no amino-acid change (alanine 375 retained).
Molecular consequence: synonymous variant. On other transcripts: intron variant (1).
Genome position (GRCh38, 1-based): chr3:24,127,518, G>A on the plus strand (C>T on the coding strand, the complement: THRB is on the minus strand). VCF-style: chr3-24127518-G-A. GRCh37 (hg19) VCF-style: chr3-24169009-G-A.
Other names: c.1125C>T, p.Ala375= (NM_000461.5, NM_001128176.3, NM_001128177.2 and 11 more transcripts); c.1032C>T, p.Ala344= (NM_001354714.2, NM_001354715.2); c.973+152C>T (NM_001374827.1).
Identifiers: ClinVar variation 767890 (VCV000767890.14), dbSNP rs148991421, ClinGen allele CA2287123.
Genomic context (GRCh38, chr3:24,127,518, plus strand): 5'-AAGCTCTTTGGATGCCCACTAACGAGTCTAGGCGTACTCACCTGAAGACATCAGCAGGAC[G>A]GCCTGAAGGAGGGCTACTTCAGTGTCATCCAGGTTGAAAGAAGACAGAGACATGCCCAGG-3'
Protein context (NP_001341641.1, residues 365-385): LDDTEVALLQ[Ala375=]VLLMSSDRPG